The following is an entry in ClinVar:

NM_014727.3(KMT2B):c.2261C>T (p.Pro754Leu)

Gene: KMT2B (lysine methyltransferase 2B; plus strand). Cytogenetic location: 19q13.12.
Variant type: single nucleotide variant.
Coding change: c.2261C>T on transcript NM_014727.3 (MANE Select); coding-DNA position 2261, C replaced by T.
Protein change: p.Pro754Leu; replaces proline 754 with leucine.
Molecular consequence: missense variant.
Genome position (GRCh38, 1-based): chr19:35,721,608, C>T. VCF-style: chr19-35721608-C-T. GRCh37 (hg19) VCF-style: chr19-36212510-C-T.
Other names: short protein forms P754L.
Identifiers: ClinVar variation 1181879 (VCV001181879.33), dbSNP rs179686, ClinGen allele CA9384383.

ClinVar aggregate classification (germline): Benign/Likely benign. Review status: criteria provided, multiple submitters, no conflicts (2 of 4 stars). 4 submissions from 4 submitters: Benign (1); Likely benign (3). Last evaluated 2026-01-28.

Allele frequency attached by ClinVar (database versions not stated): gnomAD exomes 0.00032 and 0.00088; ExAC 0.00095; 1000 Genomes Project 0.00280; TOPMed 0.00367; ESP Exome Variant Server 0.00382; gnomAD 0.00315 and 0.00344; 1000 Genomes Project 30x 0.00344.
gnomAD v4.1: 971 of 1,612,284 alleles (0.06%); highest among the groups gnomAD compares: African/African-American, 1%; 5 homozygotes.

Submissions (4):

Labcorp Genetics (formerly Invitae), Labcorp
Classification: Benign. Last evaluated: 2026-01-28. Review status: criteria provided, single submitter. Criteria: Invitae Variant Classification Sherloc (09022015). Collection method: clinical testing. Allele origin: germline.

CeGaT Center for Human Genetics Tuebingen
Classification: Likely benign. Last evaluated: 2025-11-01. Review status: criteria provided, single submitter. Criteria: CeGaT Center For Human Genetics Tuebingen Variant Classification Criteria Version 2. Collection method: clinical testing. Allele origin: germline. Affected: yes. Observed: 2 variant alleles.
Comment: KMT2B: BS1

GeneDx
Classification: Likely benign. Last evaluated: 2020-01-22. Review status: criteria provided, single submitter. Criteria: GeneDx Variant Classification Process June 2021. Collection method: clinical testing. Allele origin: germline. Affected: yes.

Breakthrough Genomics
Classification: Likely benign. Review status: criteria provided, single submitter. Criteria: ACMG Guidelines, 2015. Collection method: not provided. Allele origin: germline. Inheritance: Autosomal dominant inheritance. Affected: yes.